The following is an entry in ClinVar:

NM_001830.4(CLCN4):c.1646T>C (p.Ile549Thr)

Gene: CLCN4 (Cl-/H+ antiporter 4; plus strand). Cytogenetic location: Xp22.2.
Variant type: single nucleotide variant.
Coding change: c.1646T>C on transcript NM_001830.4 (MANE Select); coding-DNA position 1646, T replaced by C.
Protein change: p.Ile549Thr; replaces isoleucine 549 with threonine.
Molecular consequence: missense variant.
Genome position (GRCh38, 1-based): chrX:10,213,750, T>C. VCF-style: chrX-10213750-T-C. GRCh37 (hg19) VCF-style: chrX-10181790-T-C.
Other names: c.1364T>C, p.Ile455Thr (NM_001256944.2); short protein forms I455T, I549T.
Identifiers: ClinVar variation 976472 (VCV000976472.1), dbSNP rs1924631837, ClinGen allele CA412041595.
Genomic context (GRCh38, chrX:10,213,750, plus strand): 5'-CCAGGATGACGGTGTCATTGGTGGTCATCATGTTTGAATTAACCGGGGGTCTGGAGTACA[T>C]CGTGCCCCTGATGGCGGCGGCTGTGACCAGCAAGTGGGTAGCTGATGCATTTGGGAAAGA-3'
Protein context (NP_001821.2, residues 539-559): MFELTGGLEY[Ile549Thr]VPLMAAAVTS

ClinVar aggregate classification (germline): Likely pathogenic (0 of 4 stars; one submission).

Conditions:
Intellectual disability, X-linked 49 (MRXSRC). Also called: MENTAL RETARDATION, X-LINKED 15; MRX49; CLCN4-Related Neurodevelopmental Disorder; CLCN4-related X-linked intellectual disability syndrome; RAYNAUD-CLAES SYNDROME. Identifiers: Orphanet 485350, Orphanet 777, MedGen C0796221, MONDO:0010250, OMIM 300114.

Submission:

Clinical Genomics Laboratory, Stanford Medicine
Classification: Likely pathogenic for Intellectual disability, X-linked 49. Last evaluated: 2019-10-30. Review status: no assertion criteria provided. Collection method: clinical testing. Allele origin: germline. Inheritance: X-linked dominant inheritance. Affected: yes.
Comment: This variant was absent from large population databases, including the Genome Aggregation Database. The CLCN4 gene has fewer missense variants in the general population than expected. A low rate of missense variation may suggest that this gene is intolerant to missense variation. Computational tools predict that the p.Ile549Thr variant is deleterious; however, the accuracy of in silico algorithms is limited. These data were assessed using the ACMG/AMP variant interpretation guidelines. In summary, there is sufficient evidence to classify the p.Ile549Thr variant as likely pathogenic for CLCN4- associated neurodevelopmental disorder in an X-linked dominant manner based on the information above. [ACMG evidence codes used: PS2_moderate; PM2; PP2; PP3]